The following is an entry in ClinVar:

NM_021814.5(ELOVL5):c.856C>A (p.Pro286Thr)

Gene: ELOVL5 (ELOVL fatty acid elongase 5; minus strand). Cytogenetic location: 6p12.1.
Variant type: single nucleotide variant.
Coding change: c.856C>A on transcript NM_021814.5 (MANE Select); coding-DNA position 856, C replaced by A.
Protein change: p.Pro286Thr; replaces proline 286 with threonine.
Molecular consequence: missense variant.
Genome position (GRCh38, 1-based): chr6:53,269,171, G>T on the plus strand (C>A on the coding strand, the complement: ELOVL5 is on the minus strand). VCF-style: chr6-53269171-G-T. GRCh37 (hg19) VCF-style: chr6-53133969-G-T.
Other names: c.937C>A, p.Pro313Thr (NM_001242828.2); c.731C>A, p.Thr244Asn (NM_001242830.2); c.856C>A, p.Pro286Thr (NM_001301856.2); short protein forms P286T, T244N, P313T.
Identifiers: ClinVar variation 2619503 (VCV002619503.3), dbSNP rs1402328770, ClinGen allele CA364472757.

ClinVar aggregate classification (germline): Uncertain significance. Review status: criteria provided, multiple submitters, no conflicts (2 of 4 stars). 2 submissions from 2 submitters: Uncertain significance (2). Last evaluated 2025-09-24.

Conditions:
Inborn genetic diseases. Identifiers: MedGen C0950123, MeSH D030342.

Allele frequency attached by ClinVar (database versions not stated): TOPMed below 0.00001; gnomAD 0.00001.
gnomAD v4.1: 4 of 1,613,888 alleles (0.00025%); highest among the groups gnomAD compares: Non-Finnish European, 0.00034%; no homozygotes.

Submissions (2):

Women's Health and Genetics/Laboratory Corporation of America, LabCorp
Classification: Uncertain significance. Last evaluated: 2025-09-24. Review status: criteria provided, single submitter. Criteria: LabCorp Variant Classification Summary - May 2015. Collection method: clinical testing. Allele origin: germline.
Comment: Variant summary: ELOVL5 c.856C>A (p.Pro286Thr) results in a non-conservative amino acid change in the encoded protein sequence. Algorithms developed to predict the effect of missense changes on protein structure and function are either unavailable or do not agree on the potential impact of this missense change. The variant allele was found at a frequency of 8e-06 in 250866 control chromosomes. The available data on variant occurrences in the general population are insufficient to allow any conclusion about variant significance. To our knowledge, no occurrence of c.856C>A in individuals affected with ELOVL5-related conditions and no experimental evidence demonstrating its impact on protein function have been reported. ClinVar contains an entry for this variant (Variation ID: 2619503). Based on the evidence outlined above, the variant was classified as uncertain significance.

Ambry Genetics
Classification: Uncertain significance for Inborn genetic diseases. Last evaluated: 2023-08-19. Review status: criteria provided, single submitter. Criteria: Ambry Variant Classification Scheme 2023. Collection method: clinical testing. Allele origin: germline.